The following is an entry in ClinVar:

NM_000179.3(MSH6):c.473A>G (p.Glu158Gly)

Gene: MSH6 (mutS homolog 6; plus strand). Cytogenetic location: 2p16.3.
Variant type: single nucleotide variant.
Coding change: c.473A>G on transcript NM_000179.3 (MANE Select); coding-DNA position 473, A replaced by G.
Protein change: p.Glu158Gly; replaces glutamic acid 158 with glycine.
Molecular consequence: missense variant. On other transcripts: 5 prime UTR variant (1), intron variant (2).
Genome position (GRCh38, 1-based): chr2:47,795,909, A>G. VCF-style: chr2-47795909-A-G. GRCh37 (hg19) VCF-style: chr2-48023048-A-G.
Other names: c.-430A>G (NM_001281494.2); c.-279-2702A>G (NM_001281493.2); c.238-2702A>G (NM_001281492.2); short protein forms E158G.
Identifiers: ClinVar variation 1001693 (VCV001001693.9), dbSNP rs1669052883, ClinGen allele CA346738588.

ClinVar aggregate classification (germline): Uncertain significance (1 of 4 stars; one submission).

Conditions:
Hereditary nonpolyposis colorectal neoplasms. Identifiers: MedGen C0009405, MeSH D003123.

Submission:

Labcorp Genetics (formerly Invitae), Labcorp
Classification: Uncertain significance for Hereditary nonpolyposis colorectal neoplasms. Last evaluated: 2022-09-06. Review status: criteria provided, single submitter. Criteria: Invitae Variant Classification Sherloc (09022015). Collection method: clinical testing. Allele origin: germline.
Comment: This sequence change replaces glutamic acid, which is acidic and polar, with glycine, which is neutral and non-polar, at codon 158 of the MSH6 protein (p.Glu158Gly). Advanced modeling of protein sequence and biophysical properties (such as structural, functional, and spatial information, amino acid conservation, physicochemical variation, residue mobility, and thermodynamic stability) performed at Invitae indicates that this missense variant is not expected to disrupt MSH6 protein function. This variant is not present in population databases (gnomAD no frequency). This variant has not been reported in the literature in individuals affected with MSH6-related conditions. ClinVar contains an entry for this variant (Variation ID: 1001693). In summary, the available evidence is currently insufficient to determine the role of this variant in disease. Therefore, it has been classified as a Variant of Uncertain Significance.